The following is an entry in ClinVar:

ClinVar aggregate classification (germline): Uncertain significance (1 of 4 stars; one submission).

Conditions:
Early-infantile DEE. Also called: Early infantile epileptic encephalopathy with suppression bursts; Ohtahara syndrome; Early infantile epileptic encephalopathy. Identifiers: Orphanet 1934, MedGen C0393706, MONDO:0800491.

Allele frequency attached by ClinVar (database versions not stated): gnomAD exomes below 0.00001; ExAC 0.00001; gnomAD 0.00001.
gnomAD v4.1: 2 of 1,614,058 alleles (0.00012%); highest among the groups gnomAD compares: African/African-American, 0.0027%; no homozygotes.

Submission:

Labcorp Genetics (formerly Invitae), Labcorp
Classification: Uncertain significance for Early-infantile DEE. Last evaluated: 2022-08-23. Review status: criteria provided, single submitter. Criteria: Invitae Variant Classification Sherloc (09022015). Collection method: clinical testing. Allele origin: germline.
Comment: This sequence change replaces threonine, which is neutral and polar, with isoleucine, which is neutral and non-polar, at codon 1737 of the SPTAN1 protein (p.Thr1737Ile). This variant is present in population databases (rs781578848, gnomAD 0.008%). This variant has not been reported in the literature in individuals affected with SPTAN1-related conditions. Algorithms developed to predict the effect of missense changes on protein structure and function are either unavailable or do not agree on the potential impact of this missense change (SIFT: "Deleterious"; PolyPhen-2: "Benign"; Align-GVGD: "Class C15"). In summary, the available evidence is currently insufficient to determine the role of this variant in disease. Therefore, it has been classified as a Variant of Uncertain Significance.

NM_001130438.3(SPTAN1):c.5210C>T (p.Thr1737Ile)

Gene: SPTAN1 (spectrin alpha, non-erythrocytic 1; plus strand). Cytogenetic location: 9q34.11.
Variant type: single nucleotide variant.
Coding change: c.5210C>T on transcript NM_001130438.3 (MANE Select); coding-DNA position 5210, C replaced by T.
Protein change: p.Thr1737Ile; replaces threonine 1737 with isoleucine.
Molecular consequence: missense variant.
Genome position (GRCh38, 1-based): chr9:128,615,693, C>T. VCF-style: chr9-128615693-C-T. GRCh37 (hg19) VCF-style: chr9-131377972-C-T.
Other names: c.5135C>T, p.Thr1712Ile (NM_001195532.2); c.5210C>T, p.Thr1737Ile (NM_001363759.2, NM_001375310.1, NM_001375311.2 and 1 more transcripts); c.5150C>T, p.Thr1717Ile (NM_001363765.2, NM_001375314.2); c.5246C>T, p.Thr1749Ile (NM_001375312.2, NM_001375318.1); c.5195C>T, p.Thr1732Ile (NM_003127.4); short protein forms T1732I, T1717I, T1737I, T1712I, T1749I.
Identifiers: ClinVar variation 2079146 (VCV002079146.4), dbSNP rs781578848, ClinGen allele CA5265403.